The following is an entry in ClinVar:

ClinVar aggregate classification (germline): Uncertain significance (1 of 4 stars; one submission).

Allele frequency attached by ClinVar (database versions not stated): gnomAD 0.00001; TOPMed 0.00001; ExAC 0.00002.
gnomAD v4.1: 4 of 1,613,308 alleles (0.00025%); highest among the groups gnomAD compares: Admixed American, 0.0067%; no homozygotes.

Submission:

Labcorp Genetics (formerly Invitae), Labcorp
Classification: Uncertain significance. Last evaluated: 2022-08-09. Review status: criteria provided, single submitter. Criteria: Invitae Variant Classification Sherloc (09022015). Collection method: clinical testing. Allele origin: germline.
Comment: In summary, the available evidence is currently insufficient to determine the role of this variant in disease. Therefore, it has been classified as a Variant of Uncertain Significance. Algorithms developed to predict the effect of missense changes on protein structure and function are either unavailable or do not agree on the potential impact of this missense change (SIFT: "Not Available"; PolyPhen-2: "Probably Damaging"; Align-GVGD: "Not Available"). This variant has not been reported in the literature in individuals affected with PIK3C2A-related conditions. This variant is present in population databases (rs745763511, gnomAD 0.009%). This sequence change replaces aspartic acid, which is acidic and polar, with valine, which is neutral and non-polar, at codon 797 of the PIK3C2A protein (p.Asp797Val).

NM_002645.4(PIK3C2A):c.2390A>T (p.Asp797Val)

Gene: PIK3C2A (phosphatidylinositol-4-phosphate 3-kinase catalytic subunit type 2 alpha; minus strand). Cytogenetic location: 11p15.1.
Variant type: single nucleotide variant.
Coding change: c.2390A>T on transcript NM_002645.4 (MANE Select); coding-DNA position 2390, A replaced by T.
Protein change: p.Asp797Val; replaces aspartic acid 797 with valine.
Molecular consequence: missense variant. On other transcripts: intron variant (1).
Genome position (GRCh38, 1-based): chr11:17,129,309, T>A on the plus strand (A>T on the coding strand, the complement: PIK3C2A is on the minus strand). VCF-style: chr11-17129309-T-A. GRCh37 (hg19) VCF-style: chr11-17150856-T-A.
Other names: c.2390A>T, p.Asp797Val (NM_001321378.2); c.1250A>T, p.Asp417Val (NM_001321380.2); c.2231+2607A>T (NM_001386870.1); short protein forms D417V, D797V.
Identifiers: ClinVar variation 1964802 (VCV001964802.5), dbSNP rs745763511, ClinGen allele CA5901120.